The following is an entry in ClinVar:

NM_000254.3(MTR):c.901C>T (p.Pro301Ser)

Gene: MTR (5-methyltetrahydrofolate-homocysteine methyltransferase; plus strand). Cytogenetic location: 1q43.
Variant type: single nucleotide variant.
Coding change: c.901C>T on transcript NM_000254.3 (MANE Select); coding-DNA position 901, C replaced by T.
Protein change: p.Pro301Ser; replaces proline 301 with serine.
Molecular consequence: missense variant. On other transcripts: 5 prime UTR variant (1).
Genome position (GRCh38, 1-based): chr1:236,825,373, C>T. VCF-style: chr1-236825373-C-T. GRCh37 (hg19) VCF-style: chr1-236988673-C-T.
Other names: c.901C>T, p.Pro301Ser (NM_001291939.1); c.-208C>T (NM_001291940.2); short protein forms P301S.
Identifiers: ClinVar variation 1446428 (VCV001446428.4), dbSNP rs766371534, ClinGen allele CA1473923.

ClinVar aggregate classification (germline): Uncertain significance (1 of 4 stars; one submission).

Conditions:
Methylcobalamin deficiency type cblG (HMAG). Also called: Functional methionine synthase deficiency type cblG; HOMOCYSTINURIA-MEGALOBLASTIC ANEMIA, cblG COMPLEMENTATION TYPE; HOMOCYSTINURIA-MEGALOBLASTIC ANEMIA, cblG TYPE; HOMOCYSTINURIA-MEGALOBLASTIC ANEMIA DUE TO DEFECT IN COBALAMIN METABOLISM, cblG COMPLEMENTATION TYPE. Identifiers: Orphanet 2170, Orphanet 622, MedGen C1855128, MONDO:0009609, OMIM 250940.

gnomAD v4.1: 4 of 1,613,634 alleles (0.00025%); highest among the groups gnomAD compares: Admixed American, 0.0067%; no homozygotes.

Submission:

Labcorp Genetics (formerly Invitae), Labcorp
Classification: Uncertain significance for Methylcobalamin deficiency type cblG. Last evaluated: 2022-06-20. Review status: criteria provided, single submitter. Criteria: Invitae Variant Classification Sherloc (09022015). Collection method: clinical testing. Allele origin: germline.
Comment: This sequence change replaces proline, which is neutral and non-polar, with serine, which is neutral and polar, at codon 301 of the MTR protein (p.Pro301Ser). This variant is present in population databases (rs766371534, gnomAD 0.01%). This variant has not been reported in the literature in individuals affected with MTR-related conditions. Algorithms developed to predict the effect of missense changes on protein structure and function are either unavailable or do not agree on the potential impact of this missense change (SIFT: "Deleterious"; PolyPhen-2: "Probably Damaging"; Align-GVGD: "Class C0"). In summary, the available evidence is currently insufficient to determine the role of this variant in disease. Therefore, it has been classified as a Variant of Uncertain Significance.